The following is an entry in ClinVar:

ClinVar aggregate classification (germline): Uncertain significance (1 of 4 stars; one submission).

Conditions:
Charcot-Marie-Tooth disease axonal type 2P. Also called: CHARCOT-MARIE-TOOTH NEUROPATHY, TYPE 2P; Charcot-Marie-Tooth Neuropathy Type 2G; CHARCOT-MARIE-TOOTH DISEASE, AXONAL, TYPE 2G; CMT 2G. Identifiers: Orphanet 300319, Orphanet 99941, MedGen C3280797, MONDO:0013753, OMIM 614436.

Submission:

Labcorp Genetics (formerly Invitae), Labcorp
Classification: Uncertain significance for Charcot-Marie-Tooth disease axonal type 2P. Last evaluated: 2020-02-14. Review status: criteria provided, single submitter. Criteria: Invitae Variant Classification Sherloc (09022015). Collection method: clinical testing. Allele origin: germline.
Comment: In summary, the available evidence is currently insufficient to determine the role of this variant in disease. Therefore, it has been classified as a Variant of Uncertain Significance. This sequence change replaces histidine with tyrosine at codon 313 of the LRSAM1 protein (p.His313Tyr). The histidine residue is moderately conserved and there is a moderate physicochemical difference between histidine and tyrosine. This variant has not been reported in the literature in individuals with LRSAM1-related disease. This variant is not present in population databases (ExAC no frequency). Algorithms developed to predict the effect of missense changes on protein structure and function are either unavailable or do not agree on the potential impact of this missense change (SIFT: "Deleterious"; PolyPhen-2: "Benign"; Align-GVGD: "Class C15").

NM_001005373.4(LRSAM1):c.937C>T (p.His313Tyr)

Gene: LRSAM1 (leucine rich repeat and sterile alpha motif containing 1; plus strand). Cytogenetic location: 9q33.3.
Variant type: single nucleotide variant.
Coding change: c.937C>T on transcript NM_001005373.4 (MANE Select); coding-DNA position 937, C replaced by T.
Protein change: p.His313Tyr; replaces histidine 313 with tyrosine.
Molecular consequence: missense variant. On other transcripts: non-coding transcript variant (2).
Genome position (GRCh38, 1-based): chr9:127,479,872, C>T. VCF-style: chr9-127479872-C-T. GRCh37 (hg19) VCF-style: chr9-130242151-C-T.
Other names: c.937C>T, p.His313Tyr (NM_001005374.4, NM_001190723.3, NM_001384142.1 and 2 more transcripts); c.148C>T, p.His50Tyr (NM_001384144.1); short protein forms H313Y, H50Y.
Identifiers: ClinVar variation 644356 (VCV000644356.8), dbSNP rs1588120809, ClinGen allele CA374931430.